The following is an entry in ClinVar:

ClinVar aggregate classification (germline): Conflicting classifications of pathogenicity. Review status: criteria provided, conflicting classifications (1 of 4 stars). 2 submissions from 2 submitters: Uncertain significance (1); Likely benign (1). Last evaluated 2019-10-28.

Conditions:
Corticobasal syndrome. Identifiers: Orphanet 454887, MedGen C5575119, MONDO:0018696.

Allele frequency attached by ClinVar (database versions not stated): ESP Exome Variant Server 0.00015; gnomAD exomes 0.00003; TOPMed 0.00009; ExAC 0.00004; gnomAD 0.00009 and 0.00010.
gnomAD v4.1: 61 of 1,613,996 alleles (0.0038%); highest among the groups gnomAD compares: African/African-American, 0.008%; no homozygotes.

Submissions (2):

HudsonAlpha Institute for Biotechnology
Classification: Uncertain significance for Corticobasal syndrome. Last evaluated: 2019-10-28. Review status: criteria provided, single submitter. Criteria: ACMG Guidelines, 2015. Collection method: research. Allele origin: unknown. Affected: yes.

GeneDx
Classification: Likely benign. Last evaluated: 2015-03-03. Review status: criteria provided, single submitter. Criteria: GeneDx Variant Classification Process June 2021. Collection method: clinical testing. Allele origin: germline. Affected: yes.
Comment: See Variant Classification Assertion Criteria.

NM_001110.4(ADAM10):c.359T>C (p.Ile120Thr)

Gene: ADAM10 (ADAM metallopeptidase domain 10; minus strand). Cytogenetic location: 15q21.3.
Variant type: single nucleotide variant.
Coding change: c.359T>C on transcript NM_001110.4 (MANE Select); coding-DNA position 359, T replaced by C.
Protein change: p.Ile120Thr; replaces isoleucine 120 with threonine.
Molecular consequence: missense variant.
Genome position (GRCh38, 1-based): chr15:58,679,249, A>G on the plus strand (T>C on the coding strand, the complement: ADAM10 is on the minus strand). VCF-style: chr15-58679249-A-G. GRCh37 (hg19) VCF-style: chr15-58971448-A-G.
Other names: c.359T>C, p.Ile120Thr (NM_001320570.2); short protein forms I120T.
Identifiers: ClinVar variation 870548 (VCV000870548.2), dbSNP rs144890810, ClinGen allele CA7585747.